The following is an entry in ClinVar:

ClinVar aggregate classification (germline): Uncertain significance (1 of 4 stars; one submission).

Allele frequency attached by ClinVar (database versions not stated): gnomAD exomes 0.00001 and 0.00003; TOPMed 0.00001; ExAC 0.00002.
gnomAD v4.1: 11 of 1,614,102 alleles (0.00068%); highest among the groups gnomAD compares: Admixed American, 0.015%; no homozygotes.

Submission:

Labcorp Genetics (formerly Invitae), Labcorp
Classification: Uncertain significance. Last evaluated: 2022-08-19. Review status: criteria provided, single submitter. Criteria: Invitae Variant Classification Sherloc (09022015). Collection method: clinical testing. Allele origin: germline.
Comment: This sequence change replaces valine, which is neutral and non-polar, with methionine, which is neutral and non-polar, at codon 45 of the ARPC1B protein (p.Val45Met). This variant is present in population databases (rs745516024, gnomAD 0.01%). This variant has not been reported in the literature in individuals affected with ARPC1B-related conditions. ClinVar contains an entry for this variant (Variation ID: 1492360). Algorithms developed to predict the effect of missense changes on protein structure and function (SIFT, PolyPhen-2, Align-GVGD) all suggest that this variant is likely to be tolerated. In summary, the available evidence is currently insufficient to determine the role of this variant in disease. Therefore, it has been classified as a Variant of Uncertain Significance.

NM_005720.4(ARPC1B):c.133G>A (p.Val45Met)

Gene: ARPC1B (actin related protein 2/3 complex subunit 1B; plus strand). Cytogenetic location: 7q22.1.
Variant type: single nucleotide variant.
Coding change: c.133G>A on transcript NM_005720.4 (MANE Select); coding-DNA position 133, G replaced by A.
Protein change: p.Val45Met; replaces valine 45 with methionine.
Molecular consequence: missense variant.
Genome position (GRCh38, 1-based): chr7:99,386,753, G>A. VCF-style: chr7-99386753-G-A. GRCh37 (hg19) VCF-style: chr7-98984376-G-A.
Other names: short protein forms V45M.
Identifiers: ClinVar variation 1492360 (VCV001492360.5), dbSNP rs745516024, ClinGen allele CA4363908.